The following is an entry in ClinVar:

NM_001017995.3(SH3PXD2B):c.996C>T (p.Asp332=)

Gene: SH3PXD2B (SH3 and PX domains 2B; minus strand). Cytogenetic location: 5q35.1.
Variant type: single nucleotide variant.
Coding change: c.996C>T on transcript NM_001017995.3 (MANE Select); coding-DNA position 996, C replaced by T.
Protein change: p.Asp332=; no amino-acid change (aspartic acid 332 retained).
Molecular consequence: synonymous variant.
Genome position (GRCh38, 1-based): chr5:172,350,379, G>A on the plus strand (C>T on the coding strand, the complement: SH3PXD2B is on the minus strand). VCF-style: chr5-172350379-G-A. GRCh37 (hg19) VCF-style: chr5-171777383-G-A.
Other names: c.996C>T, p.Asp332= (NM_001308175.2).
Identifiers: ClinVar variation 352818 (VCV000352818.15), dbSNP rs142552959, ClinGen allele CA3561359.

ClinVar aggregate classification (germline): Conflicting classifications of pathogenicity. Review status: criteria provided, conflicting classifications (1 of 4 stars). 4 submissions from 4 submitters: Uncertain significance (1); Benign (1); Likely benign (1). 1 of the submissions does not count toward it. Last evaluated 2026-01-20.

Conditions:
Frank-Ter Haar syndrome. Also called: MELNICK-NEEDLES SYNDROME, AUTOSOMAL RECESSIVE; TER HAAR SYNDROME; BORRONE DERMATOCARDIOSKELETAL SYNDROME; Borrone di Rocco Crovato syndrome. Identifiers: Orphanet 1266, Orphanet 137834, MedGen C1855305, MONDO:0009579, OMIM 249420.
SH3PXD2B-related disorder. Also called: SH3PXD2B-related condition.

Allele frequency attached by ClinVar (database versions not stated): gnomAD exomes 0.00008 and 0.00018; ExAC 0.00028; ESP Exome Variant Server 0.00054; gnomAD 0.00060 and 0.00062; TOPMed 0.00069; 1000 Genomes Project 0.00100; 1000 Genomes Project 30x 0.00109.
gnomAD v4.1: 222 of 1,613,742 alleles (0.014%); highest among the groups gnomAD compares: African/African-American, 0.17%; 1 homozygote.

Submissions (4):

Labcorp Genetics (formerly Invitae), Labcorp
Classification: Benign. Last evaluated: 2026-01-20. Review status: criteria provided, single submitter. Criteria: Invitae Variant Classification Sherloc (09022015). Collection method: clinical testing. Allele origin: germline.

Blueprint Genetics
Classification: Likely benign. Last evaluated: 2024-11-13. Review status: criteria provided, single submitter. Criteria: ACMG Guidelines, 2015. Collection method: clinical testing. Allele origin: germline.

Illumina Laboratory Services, Illumina
Classification: Uncertain significance for Frank-Ter Haar syndrome. Last evaluated: 2018-01-13. Review status: criteria provided, single submitter. Criteria: ICSL Variant Classification Criteria 13 December 2019. Collection method: clinical testing. Allele origin: germline.

PreventionGenetics, part of Exact Sciences
Classification: Likely benign for SH3PXD2B-related condition. Last evaluated: 2019-04-01. Review status: no assertion criteria provided. Collection method: clinical testing. Allele origin: germline. Not counted in ClinVar's aggregate classification.
Comment: This variant is classified as likely benign based on ACMG/AMP sequence variant interpretation guidelines (Richards et al. 2015 PMID: 25741868, with internal and published modifications).